The following is an entry in ClinVar:

ClinVar aggregate classification (germline): Likely benign (1 of 4 stars; one submission).

gnomAD v4.1: 1 of 1,568,658 alleles (0.000064%); highest among the groups gnomAD compares: Non-Finnish European, 0.000086%; no homozygotes.

Submission:

CeGaT Center for Human Genetics Tuebingen
Classification: Likely benign. Last evaluated: 2023-10-01. Review status: criteria provided, single submitter. Criteria: CeGaT Center For Human Genetics Tuebingen Variant Classification Criteria Version 2. Collection method: clinical testing. Allele origin: germline. Affected: yes. Observed: 1 variant allele.
Comment: STAG1: PM2:Supporting, BP4, BP7

NM_005862.3(STAG1):c.2520C>T (p.Asp840=)

Gene: STAG1 (STAG1 cohesin complex component; minus strand). Cytogenetic location: 3q22.3.
Variant type: single nucleotide variant.
Coding change: c.2520C>T on transcript NM_005862.3 (MANE Select); coding-DNA position 2520, C replaced by T.
Protein change: p.Asp840=; no amino-acid change (aspartic acid 840 retained).
Molecular consequence: synonymous variant.
Genome position (GRCh38, 1-based): chr3:136,369,133, G>A on the plus strand (C>T on the coding strand, the complement: STAG1 is on the minus strand). VCF-style: chr3-136369133-G-A. GRCh37 (hg19) VCF-style: chr3-136087975-G-A.
Identifiers: ClinVar variation 2654173 (VCV002654173.24), dbSNP rs2530127534, ClinGen allele CA435840679.